The following is an entry in ClinVar:

NM_001042492.3(NF1):c.2434A>G (p.Ile812Val)

Gene: NF1 (neurofibromin 1; plus strand). Cytogenetic location: 17q11.2.
Variant type: single nucleotide variant.
Coding change: c.2434A>G on transcript NM_001042492.3 (MANE Select); coding-DNA position 2434, A replaced by G.
Protein change: p.Ile812Val; replaces isoleucine 812 with valine.
Molecular consequence: missense variant.
Genome position (GRCh38, 1-based): chr17:31,229,049, A>G. VCF-style: chr17-31229049-A-G. GRCh37 (hg19) VCF-style: chr17-29556067-A-G.
Other names: c.2434A>G, p.Ile812Val (NM_000267.4); short protein forms I812V.
Identifiers: ClinVar variation 231470 (VCV000231470.10), dbSNP rs587781899, ClinGen allele CA10580254.

ClinVar aggregate classification (germline): Conflicting classifications of pathogenicity. Review status: criteria provided, conflicting classifications (1 of 4 stars). 4 submissions from 3 submitters: Uncertain significance (3); Likely benign (1). Last evaluated 2026-06-17.

Conditions:
Cardiovascular phenotype. Identifiers: MedGen CN230736.
Hereditary cancer-predisposing syndrome. Also called: Tumor predisposition; Neoplastic Syndromes, Hereditary; Hereditary Cancer Syndrome; Hereditary neoplastic syndrome. Identifiers: Orphanet 140162, MedGen C0027672, MeSH D009386, MONDO:0015356.
Neurofibromatosis, type 1 (NF1). Also called: NEUROFIBROMATOSIS, TYPE I, SOMATIC; VON RECKLINGHAUSEN DISEASE; Peripheral type neurofibromatosis; Neurofibromatosis, type I. Identifiers: Orphanet 636, MedGen C0027831, MONDO:0018975, OMIM 162200. Disease mechanism: loss of function.

Submissions (4):

Ambry Genetics
Classification: Likely benign for Cardiovascular phenotype; Hereditary cancer-predisposing syndrome. Last evaluated: 2026-06-17. Review status: criteria provided, single submitter. Criteria: Ambry Variant Classification Scheme 2023. Collection method: clinical testing. Allele origin: germline.

Labcorp Genetics (formerly Invitae), Labcorp
Classification: Uncertain significance for Neurofibromatosis, type 1. Last evaluated: 2024-07-31. Review status: criteria provided, single submitter. Criteria: Invitae Variant Classification Sherloc (09022015). Collection method: clinical testing. Allele origin: germline.
Comment: This sequence change replaces isoleucine, which is neutral and non-polar, with valine, which is neutral and non-polar, at codon 812 of the NF1 protein (p.Ile812Val). This variant is not present in population databases (gnomAD no frequency). This variant has not been reported in the literature in individuals affected with NF1-related conditions. ClinVar contains an entry for this variant (Variation ID: 231470). Advanced modeling of protein sequence and biophysical properties (such as structural, functional, and spatial information, amino acid conservation, physicochemical variation, residue mobility, and thermodynamic stability) performed at Invitae indicates that this missense variant is not expected to disrupt NF1 protein function with a negative predictive value of 95%. In summary, the available evidence is currently insufficient to determine the role of this variant in disease. Therefore, it has been classified as a Variant of Uncertain Significance.

Genome-Nilou Lab
Classification: Uncertain significance for Neurofibromatosis, type 1. Last evaluated: 2022-03-15. Review status: criteria provided, single submitter. Criteria: ACMG Guidelines, 2015. Collection method: clinical testing. Allele origin: germline. Affected: no.

Ambry Genetics
Classification: Uncertain significance for Hereditary cancer-predisposing syndrome. Last evaluated: 2015-04-17. Review status: criteria provided, single submitter. Criteria: Ambry Autosomal Dominant and X-Linked criteria (10/2015). Collection method: clinical testing. Allele origin: germline. Observed: 1 variant allele.
Comment: The p.I812V variant (also known as c.2434A>G), located in coding exon 21 of the NF1 gene, results from an A to G substitution at nucleotide position 2434. The isoleucine at codon 812 is replaced by valine, an amino acid with highly similar properties. This variant was not reported in population based cohorts in the following databases: Database of Single Nucleotide Polymorphisms (dbSNP), NHLBI Exome Sequencing Project (ESP), and 1000 Genomes Project. In the ESP, this variant was not observed in 6501 samples (13002 alleles) with coverage at this position. To date, this alteration has been detected with an allele frequency of approximately 0.002% (greater than 55000 alleles tested) in our clinical cohort. This amino acid position is highly conserved in available vertebrate species. In addition, this alteration is predicted to be tolerated by in silico analysis. Since supporting evidence is limited at this time, the clinical significance of p.I812V remains unclear.